The following is an entry in ClinVar:

NM_033004.4(NLRP1):c.558G>A (p.Trp186Ter)

Gene: NLRP1 (NLR family pyrin domain containing 1; minus strand). Cytogenetic location: 17p13.2.
Variant type: single nucleotide variant.
Coding change: c.558G>A on transcript NM_033004.4 (MANE Select); coding-DNA position 558, G replaced by A.
Protein change: p.Trp186Ter; replaces tryptophan 186 with a stop codon.
Molecular consequence: nonsense.
Genome position (GRCh38, 1-based): chr17:5,581,953, C>T on the plus strand (G>A on the coding strand, the complement: NLRP1 is on the minus strand). VCF-style: chr17-5581953-C-T. GRCh37 (hg19) VCF-style: chr17-5485273-C-T.
Other names: c.558G>A, p.Trp186Ter (NM_001033053.3, NM_014922.5, NM_033006.4 and 1 more transcripts); short protein forms W186*.
Identifiers: ClinVar variation 1487369 (VCV001487369.6), dbSNP rs866381776, ClinGen allele CA287291540.
Genomic context (GRCh38, chr17:5,581,953, plus strand): 5'-CCATTGGGTCCCAGGAGCCTCCTGCTCTCTGGGTGCTAGGCTGGGCTGAGGTGGGGATCC[C>T]CAGCTCCCCAGCACTGCTGTGGATGTGGGGGCGTTGGGTGACTCCTGGCTTGGAGACTCA-3'

ClinVar aggregate classification (germline): Uncertain significance (1 of 4 stars; one submission).

Submission:

Labcorp Genetics (formerly Invitae), Labcorp
Classification: Uncertain significance. Last evaluated: 2021-04-29. Review status: criteria provided, single submitter. Criteria: Invitae Variant Classification Sherloc (09022015). Collection method: clinical testing. Allele origin: germline.
Comment: This variant has not been reported in the literature in individuals with NLRP1-related conditions. In summary, the available evidence is currently insufficient to determine the role of this variant in disease. Therefore, it has been classified as a Variant of Uncertain Significance. This sequence change creates a premature translational stop signal (p.Trp186*) in the NLRP1 gene. It is expected to result in an absent or disrupted protein product. However, the current clinical and genetic evidence is not sufficient to establish whether loss-of-function variants in NLRP1 cause disease. This variant is not present in population databases (ExAC no frequency).